The following is an entry in ClinVar:

ClinVar aggregate classification (germline): Pathogenic/Likely pathogenic. Review status: criteria provided, multiple submitters, no conflicts (2 of 4 stars). 4 submissions from 4 submitters: Pathogenic (2); Likely pathogenic (2). Last evaluated 2026-04-06.

Conditions:
Cerebral cavernous malformation 2. Also called: Familial Cerebral Cavernous Malformation 2. Identifiers: Orphanet 221061, MedGen C1864041, MONDO:0011304, OMIM 603284.

Submissions (4):

GeneDx
Classification: Pathogenic. Last evaluated: 2026-04-06. Review status: criteria provided, single submitter. Criteria: GeneDx Variant Classification Process June 2021. Collection method: clinical testing. Allele origin: germline.
Comment: Nonsense variant predicted to result in protein truncation or nonsense mediated decay in a gene for which loss of function is a known mechanism of disease; Not observed at significant frequency in large population cohorts (gnomAD); Has not been previously published as pathogenic or benign to our knowledge

Revvity Omics, Revvity
Classification: Likely pathogenic for Cerebral cavernous malformation 2. Last evaluated: 2023-01-19. Review status: criteria provided, single submitter. Criteria: ACMG Guidelines, 2015. Collection method: clinical testing. Allele origin: germline.

Labcorp Genetics (formerly Invitae), Labcorp
Classification: Pathogenic for Cerebral cavernous malformation 2. Last evaluated: 2022-07-05. Review status: criteria provided, single submitter. Criteria: Invitae Variant Classification Sherloc (09022015). Collection method: clinical testing. Allele origin: germline.
Comment: This sequence change creates a premature translational stop signal (p.Arg57*) in the CCM2 gene. It is expected to result in an absent or disrupted protein product. Loss-of-function variants in CCM2 are known to be pathogenic (PMID: 18300272, 24689081). For these reasons, this variant has been classified as Pathogenic. ClinVar contains an entry for this variant (Variation ID: 590650). This variant has not been reported in the literature in individuals affected with CCM2-related conditions. This variant is not present in population databases (gnomAD no frequency).

PreventionGenetics, part of Exact Sciences
Classification: Likely pathogenic. Last evaluated: 2016-08-31. Review status: criteria provided, single submitter. Criteria: ACMG Guidelines, 2015. Collection method: clinical testing. Allele origin: germline.

Literature cited by the submitters: PubMed 18300272 (cited by Labcorp Genetics (formerly Invitae), Labcorp); PubMed 24689081 (cited by Labcorp Genetics (formerly Invitae), Labcorp).

NM_031443.4(CCM2):c.169A>T (p.Arg57Ter)

Gene: CCM2 (CCM2 scaffold protein; plus strand). Cytogenetic location: 7p13.
Variant type: single nucleotide variant.
Coding change: c.169A>T on transcript NM_031443.4 (MANE Select); coding-DNA position 169, A replaced by T.
Protein change: p.Arg57Ter; replaces arginine 57 with a stop codon.
Molecular consequence: nonsense. On other transcripts: non-coding transcript variant (1), intron variant (2).
Genome position (GRCh38, 1-based): chr7:45,038,391, A>T. VCF-style: chr7-45038391-A-T. GRCh37 (hg19) VCF-style: chr7-45077990-A-T.
Other names: c.232A>T, p.Arg78Ter (NM_001029835.2); c.169A>T, p.Arg57Ter (NM_001167935.2, NM_001363458.2); c.31-25527A>T (NM_001363459.2, NM_001167934.2); short protein forms R57*, R78*.
Identifiers: ClinVar variation 590650 (VCV000590650.16), dbSNP rs1562882049, ClinGen allele CA367427221.